The following is an entry in ClinVar:

ClinVar aggregate classification (germline): Uncertain significance (1 of 4 stars; one submission).

Conditions:
Rhabdoid tumor predisposition syndrome 2 (RTPS2). Identifiers: Orphanet 231108, Orphanet 69077, MedGen C2750074, MONDO:0013224, OMIM 613325.

Submission:

Labcorp Genetics (formerly Invitae), Labcorp
Classification: Uncertain significance for Rhabdoid tumor predisposition syndrome 2. Last evaluated: 2023-04-22. Review status: criteria provided, single submitter. Criteria: Invitae Variant Classification Sherloc (09022015). Collection method: clinical testing. Allele origin: germline.
Comment: This variant is not present in population databases (gnomAD no frequency). In summary, the available evidence is currently insufficient to determine the role of this variant in disease. Therefore, it has been classified as a Variant of Uncertain Significance. Advanced modeling of protein sequence and biophysical properties (such as structural, functional, and spatial information, amino acid conservation, physicochemical variation, residue mobility, and thermodynamic stability) has been performed at Invitae for this missense variant, however the output from this modeling did not meet the statistical confidence thresholds required to predict the impact of this variant on SMARCA4 protein function. This variant has not been reported in the literature in individuals affected with SMARCA4-related conditions. This sequence change replaces alanine, which is neutral and non-polar, with proline, which is neutral and non-polar, at codon 379 of the SMARCA4 protein (p.Ala379Pro).

NM_003072.5(SMARCA4):c.1135G>C (p.Ala379Pro)

Gene: SMARCA4 (SWI/SNF related BAF chromatin remodeling complex subunit ATPase 4; plus strand). Cytogenetic location: 19p13.2.
Variant type: single nucleotide variant.
Coding change: c.1135G>C on transcript NM_003072.5 (MANE Select); coding-DNA position 1135, G replaced by C.
Protein change: p.Ala379Pro; replaces alanine 379 with proline.
Molecular consequence: missense variant. On other transcripts: non-coding transcript variant (1).
Genome position (GRCh38, 1-based): chr19:10,989,333, G>C. VCF-style: chr19-10989333-G-C. GRCh37 (hg19) VCF-style: chr19-11100009-G-C.
Other names: c.1135G>C, p.Ala379Pro (NM_001128844.3, NM_001128845.2, NM_001128846.2 and 6 more transcripts); short protein forms A379P.
Identifiers: ClinVar variation 2858142 (VCV002858142.3), dbSNP rs769660597, ClinGen allele CA404059379.